The following is an entry in ClinVar:

ClinVar aggregate classification (germline): Uncertain significance (1 of 4 stars; one submission).

Conditions:
Marfan syndrome (MFS). Also called: MARFAN SYNDROME, TYPE I; Marfan syndrome type 1; Marfan's syndrome; Marfan syndrome, classic; FBN1-Related Marfan Syndrome. Identifiers: Orphanet 284963, Orphanet 558, MedGen C0024796, MONDO:0007947, OMIM 154700.
Familial thoracic aortic aneurysm and aortic dissection (TAAD). Also called: Thoracic aortic aneurysms and dissections. Identifiers: Orphanet 91387, MedGen C4707243, MONDO:0019625.

Allele frequency attached by ClinVar (database versions not stated): gnomAD 0.00001; TOPMed below 0.00001.
gnomAD v4.1: 1 of 1,613,928 alleles (0.000062%); highest among the groups gnomAD compares: Non-Finnish European, 0.000085%; no homozygotes.

Submission:

Labcorp Genetics (formerly Invitae), Labcorp
Classification: Uncertain significance for Marfan syndrome; Familial thoracic aortic aneurysm and aortic dissection. Last evaluated: 2021-02-10. Review status: criteria provided, single submitter. Criteria: Invitae Variant Classification Sherloc (09022015). Collection method: clinical testing. Allele origin: germline.
Comment: In summary, the available evidence is currently insufficient to determine the role of this variant in disease. Therefore, it has been classified as a Variant of Uncertain Significance. Advanced modeling of protein sequence and biophysical properties (such as structural, functional, and spatial information, amino acid conservation, physicochemical variation, residue mobility, and thermodynamic stability) performed at Invitae indicates that this missense variant is expected to disrupt FBN1 protein function. This variant has been observed in individual(s) with clinical features of FBN1-related conditions (Invitae). This variant is not present in population databases (ExAC no frequency). This sequence change replaces tyrosine with cysteine at codon 170 of the FBN1 protein (p.Tyr170Cys). The tyrosine residue is highly conserved and there is a large physicochemical difference between tyrosine and cysteine.

NM_000138.5(FBN1):c.509A>G (p.Tyr170Cys)

Gene: FBN1 (fibrillin 1; minus strand). Cytogenetic location: 15q21.1.
Variant type: single nucleotide variant.
Coding change: c.509A>G on transcript NM_000138.5 (MANE Select); coding-DNA position 509, A replaced by G.
Protein change: p.Tyr170Cys; replaces tyrosine 170 with cysteine.
Molecular consequence: missense variant.
Genome position (GRCh38, 1-based): chr15:48,596,312, T>C on the plus strand (A>G on the coding strand, the complement: FBN1 is on the minus strand). VCF-style: chr15-48596312-T-C. GRCh37 (hg19) VCF-style: chr15-48888509-T-C.
Other names: short protein forms Y170C.
Identifiers: ClinVar variation 1464498 (VCV001464498.8), dbSNP rs1228647846, ClinGen allele CA392446283.
Genomic context (GRCh38, chr15:48,596,312, plus strand): 5'-TCTTTACGTAAATGATTTTAAAAACCATTACCTCTTTCACACTGGGGTCCAGTAAATCCG[T>C]AAGTGCATGCACATCGATTTGGGGCCACACACCTTCCTCCATTGAGACAGCCACTTTCAC-3'
Protein context (NP_000129.3, residues 160-180): CVAPNRCACT[Tyr170Cys]GFTGPQCERD